The following is an entry in ClinVar:

ClinVar aggregate classification (germline): Likely pathogenic (1 of 4 stars; one submission).

Conditions:
Nemaline myopathy 2 (NEM2). Also called: Nemaline myopathy 2, autosomal recessive. Identifiers: MedGen C1850569, MONDO:0009725, OMIM 256030.

Submission:

Kariminejad - Najmabadi Pathology & Genetics Center
Classification: Likely pathogenic for Nemaline myopathy 2. Last evaluated: 2024-07-20. Review status: criteria provided, single submitter. Criteria: ACMG Guidelines, 2015. Collection method: clinical testing. Allele origin: germline. Inheritance: Autosomal recessive inheritance. Affected: yes.
Comment: PVS1(Very Strong),PM2

NM_001164508.2(NEB):c.5551A>T (p.Lys1851Ter)

Gene: NEB (nebulin; minus strand). Cytogenetic location: 2q23.3.
Variant type: single nucleotide variant.
Coding change: c.5551A>T on transcript NM_001164508.2 (MANE Select); coding-DNA position 5551, A replaced by T.
Protein change: p.Lys1851Ter; replaces lysine 1851 with a stop codon.
Molecular consequence: nonsense.
Genome position (GRCh38, 1-based): chr2:151,663,760, T>A on the plus strand (A>T on the coding strand, the complement: NEB is on the minus strand). VCF-style: chr2-151663760-T-A. GRCh37 (hg19) VCF-style: chr2-152520274-T-A.
Other names: c.5551A>T, p.Lys1851Ter (NM_001164507.2, NM_001271208.2, NM_004543.5); short protein forms K1851*.
Identifiers: ClinVar variation 3896933 (VCV003896933.1).